The following is an entry in ClinVar:

ClinVar aggregate classification (germline): Uncertain significance (1 of 4 stars; one submission).

Allele frequency attached by ClinVar (database versions not stated): TOPMed 0.00001.

Submission:

Women's Health and Genetics/Laboratory Corporation of America, LabCorp
Classification: Uncertain significance. Last evaluated: 2024-04-01. Review status: criteria provided, single submitter. Criteria: LabCorp Variant Classification Summary - May 2015. Collection method: clinical testing. Allele origin: germline.
Comment: Variant summary: SLC26A4 c.2326C>G (p.Arg776Gly) results in a non-conservative amino acid change in the encoded protein sequence. Four of five in-silico tools predict a damaging effect of the variant on protein function. The variant was absent in 251434 control chromosomes (gnomAD). The available data on variant occurrences in the general population are insufficient to allow any conclusion about variant significance. c.2326C>G has been reported in the literature in individuals affected with hearing loss (Yuan_2012) and short stature (Fan_2021). These report(s) do not provide unequivocal conclusions about association of the variant with Pendred Syndrome. At least one publication reports experimental evidence evaluating an impact on protein function, however, does not allow convincing conclusions about the variant effect. The following publications have been ascertained in the context of this evaluation (PMID: 34006472, 23185506, 30554688). ClinVar contains an entry for this variant (Variation ID: 1012247). Based on the evidence outlined above, the variant was classified as uncertain significance.

Literature cited by the submitters: PubMed 23185506; PubMed 34006472; PubMed 30554688.

NM_000441.2(SLC26A4):c.2326C>G (p.Arg776Gly)

Gene: SLC26A4 (solute carrier family 26 member 4; plus strand). Cytogenetic location: 7q22.3.
Variant type: single nucleotide variant.
Coding change: c.2326C>G on transcript NM_000441.2 (MANE Select); coding-DNA position 2326, C replaced by G.
Protein change: p.Arg776Gly; replaces arginine 776 with glycine.
Molecular consequence: missense variant.
Genome position (GRCh38, 1-based): chr7:107,715,429, C>G. VCF-style: chr7-107715429-C-G. GRCh37 (hg19) VCF-style: chr7-107355874-C-G.
Other names: short protein forms R776G.
Identifiers: ClinVar variation 1012247 (VCV001012247.2), dbSNP rs111033255.